The following is an entry in ClinVar:

NM_001204.7(BMPR2):c.2855G>A (p.Ser952Asn)

Gene: BMPR2 (bone morphogenetic protein receptor type 2; plus strand). Cytogenetic location: 2q33.2.
Variant type: single nucleotide variant.
Coding change: c.2855G>A on transcript NM_001204.7 (MANE Select); coding-DNA position 2855, G replaced by A.
Protein change: p.Ser952Asn; replaces serine 952 with asparagine.
Molecular consequence: missense variant.
Genome position (GRCh38, 1-based): chr2:202,556,520, G>A. VCF-style: chr2-202556520-G-A. GRCh37 (hg19) VCF-style: chr2-203421243-G-A.
Other names: short protein forms S952N.
Identifiers: ClinVar variation 4214408 (VCV004214408.1).

ClinVar aggregate classification (germline): Uncertain significance (1 of 4 stars; one submission).

Conditions:
Inborn genetic diseases. Identifiers: MedGen C0950123, MeSH D030342.

Submission:

Ambry Genetics
Classification: Uncertain significance for Inborn genetic diseases. Last evaluated: 2025-06-21. Review status: criteria provided, single submitter. Criteria: Ambry Variant Classification Scheme 2023. Collection method: clinical testing. Allele origin: germline.
Comment: The p.S952N variant (also known as c.2855G>A), located in coding exon 12 of the BMPR2 gene, results from a G to A substitution at nucleotide position 2855. The serine at codon 952 is replaced by asparagine, an amino acid with highly similar properties. This amino acid position is conserved. In addition, this alteration is predicted to be tolerated by in silico analysis. Based on the available evidence, the clinical significance of this variant remains unclear.